The following is an entry in ClinVar:

ClinVar aggregate classification (germline): Uncertain significance (1 of 4 stars; one submission).

gnomAD v4.1: 2 of 1,613,488 alleles (0.00012%); highest among the groups gnomAD compares: East Asian, 0.0022%; no homozygotes.

Submission:

GeneDx
Classification: Uncertain significance. Last evaluated: 2024-10-28. Review status: criteria provided, single submitter. Criteria: GeneDx Variant Classification Process June 2021. Collection method: clinical testing. Allele origin: germline. Affected: yes.
Comment: Not observed at significant frequency in large population cohorts (gnomAD); In silico analysis indicates that this missense variant does not alter protein structure/function; Has not been previously published as pathogenic or benign to our knowledge

NM_001378454.1(ALMS1):c.5437A>G (p.Ile1813Val)

Gene: ALMS1 (ALMS1 centrosome and basal body associated protein; plus strand). Cytogenetic location: 2p13.1.
Variant type: single nucleotide variant.
Coding change: c.5437A>G on transcript NM_001378454.1 (MANE Select); coding-DNA position 5437, A replaced by G.
Protein change: p.Ile1813Val; replaces isoleucine 1813 with valine.
Molecular consequence: missense variant.
Genome position (GRCh38, 1-based): chr2:73,451,964, A>G. VCF-style: chr2-73451964-A-G. GRCh37 (hg19) VCF-style: chr2-73679091-A-G.
Other names: c.5440A>G, p.Ile1814Val (NM_015120.4); short protein forms I1813V, I1814V.
Identifiers: ClinVar variation 3893391 (VCV003893391.1).
Genomic context (GRCh38, chr2:73,451,964, plus strand): 5'-GACCAGAAGACTGGGGTATCAACAGTAACCTCTACTTCCTACTCACACAGAGAGAAGCCC[A>G]TTGTTTCCTACCAGCGAGAGTTGCCGCATTTTACTGAAGCAGGTTTGAAAATTTTAAGAG-3'
Protein context (NP_001365383.1, residues 1803-1823): STSYSHREKP[Ile1813Val]VSYQRELPHF